The following is an entry in ClinVar:

NM_024721.5(ZFHX4):c.8847T>G (p.Ser2949Arg)

Gene: ZFHX4 (zinc finger homeobox 4; plus strand). Cytogenetic location: 8q21.13.
Variant type: single nucleotide variant.
Coding change: c.8847T>G on transcript NM_024721.5 (MANE Select); coding-DNA position 8847, T replaced by G.
Protein change: p.Ser2949Arg; replaces serine 2949 with arginine.
Molecular consequence: missense variant.
Genome position (GRCh38, 1-based): chr8:76,855,768, T>G. VCF-style: chr8-76855768-T-G. GRCh37 (hg19) VCF-style: chr8-77768004-T-G.
Other names: c.8769T>G, p.Ser2923Arg (NM_001410934.1); short protein forms S2923R, S2949R.
Identifiers: ClinVar variation 3900317 (VCV003900317.2).
Genomic context (GRCh38, chr8:76,855,768, plus strand): 5'-CAAGCGTTTTCGAACGCAAATGAGCAATCTTCAACTCAAGGTTCTCAAGGCTTGCTTTAG[T>G]GACTACCGAACTCCAACCATGCAAGAATGTGAAATGTTAGGGAATGAGATTGGTCTGCCC-3'
Protein context (NP_078997.4, residues 2939-2959): LQLKVLKACF[Ser2949Arg]DYRTPTMQEC

ClinVar aggregate classification (germline): Uncertain significance. Review status: criteria provided, multiple submitters, no conflicts (2 of 4 stars). 2 submissions from 2 submitters: Uncertain significance (2). Last evaluated 2025-06-07.

gnomAD v4.1: 56 of 1,613,854 alleles (0.0035%); highest among the groups gnomAD compares: Non-Finnish European, 0.0045%; no homozygotes.

Submissions (2):

Ambry Genetics
Classification: Uncertain significance. Last evaluated: 2025-06-07. Review status: criteria provided, single submitter. Criteria: Ambry Variant Classification Scheme 2023. Collection method: clinical testing. Allele origin: germline.

GeneDx
Classification: Uncertain significance. Last evaluated: 2024-02-07. Review status: criteria provided, single submitter. Criteria: GeneDx Variant Classification Process June 2021. Collection method: clinical testing. Allele origin: germline. Affected: yes.
Comment: In silico analysis supports that this missense variant has a deleterious effect on protein structure/function; Has not been previously published as pathogenic or benign to our knowledge; Variants in candidate genes are classified as variants of uncertain significance in accordance with ACMG guidelines (PMID: 25741868)